The following is an entry in ClinVar:

NM_025179.4(PLXNA2):c.4434G>A (p.Thr1478=)

Gene: PLXNA2 (plexin A2; minus strand). Cytogenetic location: 1q32.2.
Variant type: single nucleotide variant.
Coding change: c.4434G>A on transcript NM_025179.4 (MANE Select); coding-DNA position 4434, G replaced by A.
Protein change: p.Thr1478=; no amino-acid change (threonine 1478 retained).
Molecular consequence: synonymous variant.
Genome position (GRCh38, 1-based): chr1:208,039,687, C>T on the plus strand (G>A on the coding strand, the complement: PLXNA2 is on the minus strand). VCF-style: chr1-208039687-C-T. GRCh37 (hg19) VCF-style: chr1-208213032-C-T.
Other names: c.4434G>A (NM_025179.3).
Identifiers: ClinVar variation 2715207 (VCV002715207.5), dbSNP rs61744729, ClinGen allele CA1372885.

ClinVar aggregate classification (germline): Likely benign. Review status: criteria provided, single submitter (1 of 4 stars). 2 submissions from 2 submitters: Likely benign (1). 1 of the submissions does not count toward it. Last evaluated 2025-10-01.

Conditions:
PLXNA2-related disorder. Also called: PLXNA2-related condition.

Allele frequency attached by ClinVar (database versions not stated): gnomAD 0.00002; ExAC 0.00003; TOPMed 0.00003; gnomAD exomes 0.00009.

Submissions (2):

Labcorp Genetics (formerly Invitae), Labcorp
Classification: Likely benign. Last evaluated: 2025-10-01. Review status: criteria provided, single submitter. Criteria: Invitae Variant Classification Sherloc (09022015). Collection method: clinical testing. Allele origin: germline.

PreventionGenetics, part of Exact Sciences
Classification: Likely benign for PLXNA2-related condition. Last evaluated: 2023-09-12. Review status: no assertion criteria provided. Collection method: clinical testing. Allele origin: germline. Not counted in ClinVar's aggregate classification.
Comment: This variant is classified as likely benign based on ACMG/AMP sequence variant interpretation guidelines (Richards et al. 2015 PMID: 25741868, with internal and published modifications).